The following is an entry in ClinVar:

NM_213599.3(ANO5):c.1045C>T (p.Gln349Ter)

Gene: ANO5 (anoctamin 5; plus strand). Cytogenetic location: 11p14.3.
Variant type: single nucleotide variant.
Coding change: c.1045C>T on transcript NM_213599.3 (MANE Select); coding-DNA position 1045, C replaced by T.
Protein change: p.Gln349Ter; replaces glutamine 349 with a stop codon.
Molecular consequence: nonsense.
Genome position (GRCh38, 1-based): chr11:22,250,772, C>T. VCF-style: chr11-22250772-C-T. GRCh37 (hg19) VCF-style: chr11-22272318-C-T.
Other names: c.1042C>T, p.Gln348Ter (NM_001142649.2); short protein forms Q348*, Q349*.
Identifiers: ClinVar variation 1453293 (VCV001453293.6), dbSNP rs2133704072, ClinGen allele CA379921010.

ClinVar aggregate classification (germline): Pathogenic (1 of 4 stars; one submission).

Conditions:
Gnathodiaphyseal dysplasia (GDD). Also called: GNATHODIAPHYSEAL SCLEROSIS; OSTEOGENESIS IMPERFECTA WITH UNUSUAL SKELETAL LESIONS. Identifiers: Orphanet 53697, MedGen C1833736, MONDO:0008151, OMIM 166260.
Autosomal recessive limb-girdle muscular dystrophy type 2L (LGMDR12). Also called: Limb-girdle muscular dystrophy, type 2L; Limb-Girdle Muscular Dystrophy R12 Anoctamin-5-Related (LGMD-R12); MUSCULAR DYSTROPHY, LIMB-GIRDLE, AUTOSOMAL RECESSIVE 12. Identifiers: Orphanet 206549, MedGen C1969785, MONDO:0012652, OMIM 611307.

Submission:

Labcorp Genetics (formerly Invitae), Labcorp
Classification: Pathogenic for Autosomal recessive limb-girdle muscular dystrophy type 2L; Gnathodiaphyseal dysplasia. Last evaluated: 2021-09-02. Review status: criteria provided, single submitter. Criteria: Invitae Variant Classification Sherloc (09022015). Collection method: clinical testing. Allele origin: germline.
Comment: This sequence change creates a premature translational stop signal (p.Gln349*) in the ANO5 gene. It is expected to result in an absent or disrupted protein product. Loss-of-function variants in ANO5 are known to be pathogenic (PMID: 21186264, 23606453, 25891276, 30919934). This variant is not present in population databases (ExAC no frequency). This variant has not been reported in the literature in individuals affected with ANO5-related conditions. For these reasons, this variant has been classified as Pathogenic.

Literature cited by the submitters: PubMed 21186264; PubMed 23606453; PubMed 25891276; PubMed 30919934.